The following is an entry in ClinVar:

NM_014491.4(FOXP2):c.2004-2A>G

Gene: FOXP2 (forkhead box P2; plus strand). Cytogenetic location: 7q31.1.
Variant type: single nucleotide variant.
Coding change: c.2004-2A>G on transcript NM_014491.4 (MANE Select); the canonical splice acceptor site of the intron before coding-DNA position 2004, A replaced by G.
Molecular consequence: splice acceptor variant.
Genome position (GRCh38, 1-based): chr7:114,689,780, A>G. VCF-style: chr7-114689780-A-G. GRCh37 (hg19) VCF-style: chr7-114329835-A-G.
Other names: c.2079-2A>G (NM_148898.4); c.2055-2A>G (NM_148900.4); c.2001-2A>G (NM_001172766.3).
Identifiers: ClinVar variation 4796786 (VCV004796786.1).

ClinVar aggregate classification (germline): Uncertain significance (1 of 4 stars; one submission).

Conditions:
Childhood apraxia of speech (SPCH1). Also called: DEVELOPMENTAL VERBAL DYSPRAXIA; SPEECH AND LANGUAGE DISORDER WITH OROFACIAL DYSPRAXIA; FOXP2-Related Speech and Language Disorder; Speech language disorder. Identifiers: Orphanet 209908, MedGen C0750927, MONDO:0011184, OMIM 602081.

Submission:

MVZ Medizinische Genetik Mainz
Classification: Uncertain significance for Childhood apraxia of speech. Last evaluated: 2026-01-29. Review status: criteria provided, single submitter. Criteria: UK Practice Guidelines For Variant Classification V4 01 2020. Collection method: clinical testing. Allele origin: germline. Inheritance: Autosomal dominant inheritance. Affected: yes. Observed: 1 variant allele.
Comment: ACMG Criteria: PVS1_MOD,PM2_SUP